The following is an entry in ClinVar:

ClinVar aggregate classification (germline): Pathogenic (1 of 4 stars; one submission).

Submission:

GeneDx
Classification: Pathogenic. Last evaluated: 2017-09-11. Review status: criteria provided, single submitter. Criteria: GeneDx Variant Classification (06012015). Collection method: clinical testing. Allele origin: germline. Affected: yes.
Comment: The c.208dupT variant in the MAF gene has not been reported previously as a pathogenic variant nor as a benign variant, to our knowledge. The c.208dupT variant causes a frameshift starting with codon Serine 70, changes this amino acid to a Phenylalanine residue, and creates a premature Stop codon at position 306 of the new reading frame, denoted p.Ser70PhefsX306. This variant is predicted to cause loss of normal protein function through protein truncation as the last 334 amino acids of the protein are lost and replaced with 305 incorrect amino acids. The c.208dupT variant is not observed in large population cohorts (Lek et al., 2016; 1000 Genomes Consortium et al., 2015; Exome Variant Server). We interpret c.208dupT as a pathogenic variant.

NM_005360.5(MAF):c.208dup (p.Ser70fs)

Gene: MAF (MAF bZIP transcription factor; minus strand). Cytogenetic location: 16q23.2.
Variant type: Duplication.
Coding change: c.208dup on transcript NM_005360.5 (MANE Select); coding-DNA position 208, one base duplicated (T; older notation c.208dupT).
Protein change: p.Ser70fs; shifts the reading frame from serine 70.
Molecular consequence: frameshift variant.
Genome position (GRCh38, 1-based): chr16:79,599,695, A duplicated on the plus strand (T on the coding strand, the reverse complement: MAF is on the minus strand); the first of 2 consecutive A bases (chr16:79,599,695-79,599,696); duplicating either gives the same sequence. VCF-style (leftmost placement, unchanged base first): chr16-79599694-G-GA. GRCh37 (hg19) VCF-style: chr16-79633591-G-GA.
Other names: c.208dup, p.Ser70fs (NM_001031804.3); c.208dupT (NM_005360.4); short protein forms S70fs.
Identifiers: ClinVar variation 452100 (VCV000452100.2), dbSNP rs1555530054, ClinGen allele CA658658501.
Genomic context (GRCh38, chr16:79,599,694, plus strand): 5'-TCTTCCAGGTGCGCCTTCTGCTCGCTGCCCGAGCCCGGGCTGGGCGCCGAGAAGCTGGGG[G>GA]AAGGGGGCACCGAGCTGCACGGCGTGCTCATGGGGGTGGAGGACAGCGAGCCCCCGGCGA-3'